The following is an entry in ClinVar:

ClinVar aggregate classification (germline): Uncertain significance (1 of 4 stars; one submission).

Conditions:
Aortic aneurysm, familial thoracic 7 (AAT7). Also called: AORTIC DISSECTION, FAMILIAL, WITH OR WITHOUT AORTIC ANEURYSM. Identifiers: MedGen C3151077, MONDO:0013418, OMIM 613780.

Allele frequency attached by ClinVar (database versions not stated): gnomAD exomes below 0.00001; TOPMed below 0.00001; gnomAD 0.00001.
gnomAD v4.1: 2 of 1,608,126 alleles (0.00012%); highest among the groups gnomAD compares: South Asian, 0.0011%; no homozygotes.

Submission:

Labcorp Genetics (formerly Invitae), Labcorp
Classification: Uncertain significance for Aortic aneurysm, familial thoracic 7. Last evaluated: 2025-10-21. Review status: criteria provided, single submitter. Criteria: Invitae Variant Classification Sherloc (09022015). Collection method: clinical testing. Allele origin: germline.
Comment: This sequence change replaces proline, which is neutral and non-polar, with serine, which is neutral and polar, at codon 992 of the MYLK protein (p.Pro992Ser). This variant is not present in population databases (gnomAD no frequency). This variant has not been reported in the literature in individuals affected with MYLK-related conditions. ClinVar contains an entry for this variant (Variation ID: 935455). Invitae Evidence Modeling of protein sequence and biophysical properties (such as structural, functional, and spatial information, amino acid conservation, physicochemical variation, residue mobility, and thermodynamic stability) indicates that this missense variant is not expected to disrupt MYLK protein function with a negative predictive value of 80%. In summary, the available evidence is currently insufficient to determine the role of this variant in disease. Therefore, it has been classified as a Variant of Uncertain Significance.

NM_053025.4(MYLK):c.2974C>T (p.Pro992Ser)

Gene: MYLK (myosin light chain kinase; minus strand). Cytogenetic location: 3q21.1.
Variant type: single nucleotide variant.
Coding change: c.2974C>T on transcript NM_053025.4 (MANE Select); coding-DNA position 2974, C replaced by T.
Protein change: p.Pro992Ser; replaces proline 992 with serine.
Molecular consequence: missense variant.
Genome position (GRCh38, 1-based): chr3:123,700,494, G>A on the plus strand (C>T on the coding strand, the complement: MYLK is on the minus strand). VCF-style: chr3-123700494-G-A. GRCh37 (hg19) VCF-style: chr3-123419341-G-A.
Other names: c.2446C>T, p.Pro816Ser (NM_001321309.2); c.2767C>T, p.Pro923Ser (NM_053026.4, NM_053028.4); c.2974C>T, p.Pro992Ser (NM_053027.4); short protein forms P923S, P816S, P992S.
Identifiers: ClinVar variation 935455 (VCV000935455.9), dbSNP rs1391074220, ClinGen allele CA354230480.